The following is an entry in ClinVar:

ClinVar aggregate classification (germline): Uncertain significance (1 of 4 stars; one submission).

Submission:

GeneDx
Classification: Uncertain significance. Last evaluated: 2024-06-14. Review status: criteria provided, single submitter. Criteria: GeneDx Variant Classification Process June 2021. Collection method: clinical testing. Allele origin: germline. Affected: yes.
Comment: Not observed at significant frequency in large population cohorts (gnomAD); In silico analysis indicates that this missense variant does not alter protein structure/function; Has not been previously published as pathogenic or benign to our knowledge

NM_032217.5(ANKRD17):c.5467C>G (p.Pro1823Ala)

Gene: ANKRD17 (ankyrin repeat domain 17; minus strand). Cytogenetic location: 4q13.3.
Variant type: single nucleotide variant.
Coding change: c.5467C>G on transcript NM_032217.5 (MANE Select); coding-DNA position 5467, C replaced by G.
Protein change: p.Pro1823Ala; replaces proline 1823 with alanine.
Molecular consequence: missense variant.
Genome position (GRCh38, 1-based): chr4:73,092,161, G>C on the plus strand (C>G on the coding strand, the complement: ANKRD17 is on the minus strand). VCF-style: chr4-73092161-G-C. GRCh37 (hg19) VCF-style: chr4-73957878-G-C.
Other names: c.5128C>G, p.Pro1710Ala (NM_001286771.3); c.5464C>G, p.Pro1822Ala (NM_015574.2); c.4714C>G, p.Pro1572Ala (NM_198889.3); short protein forms P1572A, P1710A, P1822A, P1823A.
Identifiers: ClinVar variation 3390537 (VCV003390537.1).
Genomic context (GRCh38, chr4:73,092,161, plus strand): 5'-ACAGAGCTACAGTTGTCATTTTAATTCCCATTAAGGAAGTGTTAGCAGCAGTGGTGGTAG[G>C]TGCTGATGACCCTATTTTGGAATTTGCTGAGGAGCTTTTCAAACGATTCTTTGGAATAAG-3'
Protein context (NP_115593.3, residues 1813-1833): SANSKIGSSA[Pro1823Ala]TTTAANTSLM